The following is an entry in ClinVar:

ClinVar aggregate classification (germline): Uncertain significance (1 of 4 stars; one submission).

Conditions:
Sulfite oxidase deficiency due to molybdenum cofactor deficiency type C. Also called: Molybdenum cofactor deficiency, complementation group C; Molybdenum cofactor deficiency C. Identifiers: Orphanet 308400, Orphanet 833, MedGen C1854990, MONDO:0014212, OMIM 615501.

Allele frequency attached by ClinVar (database versions not stated): gnomAD exomes below 0.00001.
gnomAD v4.1: 2 of 1,610,540 alleles (0.00012%); highest among the groups gnomAD compares: Non-Finnish European, 0.00017%; no homozygotes.

Submission:

Labcorp Genetics (formerly Invitae), Labcorp
Classification: Uncertain significance for Sulfite oxidase deficiency due to molybdenum cofactor deficiency type C. Last evaluated: 2024-12-16. Review status: criteria provided, single submitter. Criteria: Invitae Variant Classification Sherloc (09022015). Collection method: clinical testing. Allele origin: germline.
Comment: This sequence change replaces valine, which is neutral and non-polar, with glycine, which is neutral and non-polar, at codon 286 of the GPHN protein (p.Val286Gly). This variant is not present in population databases (gnomAD no frequency). This variant has not been reported in the literature in individuals affected with GPHN-related conditions. ClinVar contains an entry for this variant (Variation ID: 1500913). Invitae Evidence Modeling of protein sequence and biophysical properties (such as structural, functional, and spatial information, amino acid conservation, physicochemical variation, residue mobility, and thermodynamic stability) indicates that this missense variant is not expected to disrupt GPHN protein function with a negative predictive value of 80%. In summary, the available evidence is currently insufficient to determine the role of this variant in disease. Therefore, it has been classified as a Variant of Uncertain Significance.

NM_020806.5(GPHN):c.857T>G (p.Val286Gly)

Gene: GPHN (gephyrin; plus strand). Cytogenetic location: 14q23.3.
Variant type: single nucleotide variant.
Coding change: c.857T>G on transcript NM_020806.5 (MANE Select); coding-DNA position 857, T replaced by G.
Protein change: p.Val286Gly; replaces valine 286 with glycine.
Molecular consequence: missense variant.
Genome position (GRCh38, 1-based): chr14:66,965,219, T>G. VCF-style: chr14-66965219-T-G. GRCh37 (hg19) VCF-style: chr14-67431936-T-G.
Other names: c.758T>G, p.Val253Gly (NM_001024218.2, NM_001377515.1, NM_001377516.1 and 2 more transcripts); c.797T>G, p.Val266Gly (NM_001377514.1, NM_001377519.1); short protein forms V253G, V266G, V286G.
Identifiers: ClinVar variation 1500913 (VCV001500913.8), dbSNP rs988238172, ClinGen allele CA263291855.